The following is an entry in ClinVar:

NM_007294.4(BRCA1):c.2351C>A (p.Ser784Ter)

Gene: BRCA1 (BRCA1 DNA repair associated; minus strand). Cytogenetic location: 17q21.31.
Variant type: single nucleotide variant.
Coding change: c.2351C>A on transcript NM_007294.4 (MANE Select); coding-DNA position 2351, C replaced by A.
Protein change: p.Ser784Ter; replaces serine 784 with a stop codon.
Molecular consequence: nonsense. On other transcripts: intron variant (137).
Genome position (GRCh38, 1-based): chr17:43,093,180, G>T on the plus strand (C>A on the coding strand, the complement: BRCA1 is on the minus strand). VCF-style: chr17-43093180-G-T. GRCh37 (hg19) VCF-style: chr17-41245197-G-T.
Other names: c.1463C>A, p.Ser488Ter (NM_001407967.1, NM_001407966.1); c.2210C>A, p.Ser737Ter (NM_007297.4, NM_001407728.1, NM_001407729.1 and 29 more transcripts); c.2351C>A, p.Ser784Ter (NM_007300.4, NM_001407581.1, NM_001407582.1 and 30 more transcripts); c.646+1564C>A (NM_001408458.1, NM_001408469.1, NM_001408453.1 and 11 more transcripts); c.283+1564C>A (NM_001408512.1); c.406+1564C>A (NM_001408510.1); c.643+1564C>A (NM_001408470.1, NM_001408464.1, NM_001408468.1 and 3 more transcripts); c.784+1564C>A (NM_001408397.1, NM_001408401.1, NM_001408396.1 and 13 more transcripts); and 41 more; short protein forms S784*, S737*, S672*, S695*, S716*, S742*, S757*, S758*.
Identifiers: ClinVar variation 487430 (VCV000487430.8), dbSNP rs55914168, ClinGen allele CA10597305.

ClinVar aggregate classification (germline): Pathogenic/Likely pathogenic. Review status: criteria provided, multiple submitters, no conflicts (2 of 4 stars). 3 submissions from 3 submitters: Pathogenic (1); Likely pathogenic (1). 1 of the submissions does not count toward it. Last evaluated 2019-07-11.

Conditions:
Breast-ovarian cancer, familial, susceptibility to, 1 (BROVCA1). Also called: BRCA1 Hereditary Breast and Ovarian Cancer; OVARIAN CANCER, SUSCEPTIBILITY TO. Identifiers: Orphanet 145, MedGen C2676676, MONDO:0011450, OMIM 604370. Disease mechanism: loss of function.
Hereditary cancer-predisposing syndrome. Also called: Tumor predisposition; Hereditary Cancer Syndrome; Hereditary neoplastic syndrome; Neoplastic Syndromes, Hereditary. Identifiers: Orphanet 140162, MedGen C0027672, MeSH D009386, MONDO:0015356.

Submissions (3):

Quest Diagnostics Nichols Institute San Juan Capistrano
Classification: Likely pathogenic. Last evaluated: 2019-07-11. Review status: criteria provided, single submitter. Criteria: Quest Diagnostics criteria. Collection method: clinical testing. Allele origin: germline.
Comment: The variant creates a premature nonsense codon, and is therefore predicted to result in the loss of a functional protein. Not found in the total gnomAD dataset, and the data is high quality (0/282034 chr).

Ambry Genetics
Classification: Pathogenic for Hereditary cancer-predisposing syndrome. Last evaluated: 2019-07-05. Review status: criteria provided, single submitter. Criteria: Ambry Variant Classification Scheme 2023. Collection method: clinical testing. Allele origin: germline.
Comment: The p.S784* pathogenic mutation (also known as c.2351C>A), located in coding exon 9 of the BRCA1 gene, results from a C to A substitution at nucleotide position 2351. This changes the amino acid from a serine to a stop codon within coding exon 9. This alteration is expected to result in loss of function by premature protein truncation or nonsense-mediated mRNA decay. As such, this alteration is interpreted as a disease-causing mutation.

Counsyl
Classification: Likely pathogenic for Breast-ovarian cancer, familial, susceptibility to, 1. Last evaluated: 2017-03-22. Review status: no assertion criteria provided. Collection method: clinical testing. Allele origin: unknown. Not counted in ClinVar's aggregate classification.